The following is an entry in ClinVar:

NM_007255.3(B4GALT7):c.94T>A (p.Phe32Ile)

Gene: B4GALT7 (beta-1,4-galactosyltransferase 7; plus strand). Cytogenetic location: 5q35.3.
Variant type: single nucleotide variant.
Coding change: c.94T>A on transcript NM_007255.3 (MANE Select); coding-DNA position 94, T replaced by A.
Protein change: p.Phe32Ile; replaces phenylalanine 32 with isoleucine.
Molecular consequence: missense variant.
Genome position (GRCh38, 1-based): chr5:177,604,222, T>A. VCF-style: chr5-177604222-T-A. GRCh37 (hg19) VCF-style: chr5-177031223-T-A.
Other names: short protein forms F32I.
Identifiers: ClinVar variation 1500821 (VCV001500821.3), dbSNP rs1043221348, ClinGen allele CA132891835.

ClinVar aggregate classification (germline): Uncertain significance (1 of 4 stars; one submission).

Conditions:
Spondylodysplastic Ehlers-Danlos syndrome. Identifiers: Orphanet 536471, Orphanet 75496, MedGen C5680154, MONDO:0007526.

Allele frequency attached by ClinVar (database versions not stated): gnomAD 0.00002; TOPMed 0.00002.
gnomAD v4.1: 6 of 1,613,618 alleles (0.00037%); highest among the groups gnomAD compares: African/African-American, 0.0053%; no homozygotes.

Submission:

Labcorp Genetics (formerly Invitae), Labcorp
Classification: Uncertain significance for Spondylodysplastic Ehlers-Danlos syndrome. Last evaluated: 2022-09-07. Review status: criteria provided, single submitter. Criteria: Invitae Variant Classification Sherloc (09022015). Collection method: clinical testing. Allele origin: germline.
Comment: This sequence change replaces phenylalanine, which is neutral and non-polar, with isoleucine, which is neutral and non-polar, at codon 32 of the B4GALT7 protein (p.Phe32Ile). This variant is not present in population databases (gnomAD no frequency). This variant has not been reported in the literature in individuals affected with B4GALT7-related conditions. ClinVar contains an entry for this variant (Variation ID: 1500821). Algorithms developed to predict the effect of missense changes on protein structure and function (SIFT, PolyPhen-2, Align-GVGD) all suggest that this variant is likely to be tolerated. In summary, the available evidence is currently insufficient to determine the role of this variant in disease. Therefore, it has been classified as a Variant of Uncertain Significance.